The following is an entry in ClinVar:

NM_000090.4(COL3A1):c.1815+4C>G

Gene: COL3A1 (collagen type III alpha 1 chain; plus strand). Cytogenetic location: 2q32.2.
Variant type: single nucleotide variant.
Coding change: c.1815+4C>G on transcript NM_000090.4 (MANE Select); 4 bases into the intron after coding-DNA position 1815, C replaced by G.
Molecular consequence: intron variant.
Genome position (GRCh38, 1-based): chr2:188,997,222, C>G. VCF-style: chr2-188997222-C-G. GRCh37 (hg19) VCF-style: chr2-189861948-C-G.
Identifiers: ClinVar variation 3386456 (VCV003386456.1).
Genomic context (GRCh38, chr2:188,997,222, plus strand): 5'-TAGGGTGCTCCTGGTAAGAATGGAGAACGAGGTGGCCCTGGAGGACCTGGCCCTCAGGTA[C>G]GTAGCTTTCCTCAATTTATTTCTAGCCTTCTAATAGATGCGTTCATCTCCAACCTTCTGA-3'

ClinVar aggregate classification (germline): Uncertain significance (1 of 4 stars; one submission).

Conditions:
Ehlers-Danlos syndrome, type 4 (EDSVASC). Also called: Ehlers-Danlos syndrome vascular type; Ehlers Danlos syndrome, ecchymotic type; Ehlers Danlos syndrome, arterial type; Ehlers Danlos syndrome, Sack-Barabas type; Ehlers-Danlos Syndrome Type IV. Identifiers: Orphanet 286, MedGen C0268338, MONDO:0017314, OMIM 130050.

gnomAD v4.1: 1 of 1,613,956 alleles (0.000062%); highest among the groups gnomAD compares: Non-Finnish European, 0.000085%; no homozygotes.

Submission:

All of Us Research Program, National Institutes of Health
Classification: Uncertain significance for Ehlers-Danlos syndrome, type 4. Last evaluated: 2024-03-24. Review status: criteria provided, single submitter. Criteria: ACMG Guidelines, 2015. Collection method: clinical testing. Allele origin: germline. Inheritance: Autosomal dominant inheritance. Observed: 1 variant allele, 1 heterozygote.
Comment: This variant causes a C to G nucleotide substitution at the +4 position of intron 25 of the COL3A1 gene. To our knowledge, RNA studies have not been reported for this variant. This variant has not been reported in individuals affected with COL3A1-related disorders in the literature. This variant has not been identified in the general population by the Genome Aggregation Database (gnomAD). The available evidence is insufficient to determine the role of this variant in disease conclusively. Therefore, this variant is classified as a Variant of Uncertain Significance.

This study involves interpretation of variants in research participants for the purpose of population health screening. Participant phenotype was not available at the time of variant classification. Additional details can be found in publication PMID: 35346344, PMCID: PMC8962531